The following is an entry in ClinVar:

ClinVar aggregate classification (germline): Uncertain significance. Review status: criteria provided, multiple submitters, no conflicts (2 of 4 stars). 3 submissions from 3 submitters: Uncertain significance (3). Last evaluated 2024-04-22.

Conditions:
Hereditary cancer-predisposing syndrome. Also called: Hereditary Cancer Syndrome; Neoplastic Syndromes, Hereditary; Hereditary neoplastic syndrome; Tumor predisposition. Identifiers: Orphanet 140162, MedGen C0027672, MeSH D009386, MONDO:0015356.
Microcephaly, normal intelligence and immunodeficiency (NBS). Also called: Nijmegen breakage syndrome; Microcephaly with normal intelligence immunodeficiency and lymphoreticular malignancies; Nonsyndromal microcephaly autosomal recessive with normal intelligence; Seemanova syndrome 2; Immunodeficiency, microcephaly with normal intelligence; Ataxia telangiectasia variant V1. Identifiers: Orphanet 647, MedGen C0398791, MONDO:0009623, OMIM 251260.

Submissions (3):

Labcorp Genetics (formerly Invitae), Labcorp
Classification: Uncertain significance for Microcephaly, normal intelligence and immunodeficiency. Last evaluated: 2024-04-22. Review status: criteria provided, single submitter. Criteria: Invitae Variant Classification Sherloc (09022015). Collection method: clinical testing. Allele origin: germline.
Comment: This sequence change replaces proline, which is neutral and non-polar, with leucine, which is neutral and non-polar, at codon 325 of the NBN protein (p.Pro325Leu). This variant is not present in population databases (gnomAD no frequency). This variant has not been reported in the literature in individuals affected with NBN-related conditions. ClinVar contains an entry for this variant (Variation ID: 823448). An algorithm developed to predict the effect of missense changes on protein structure and function (PolyPhen-2) suggests that this variant is likely to be disruptive. In summary, the available evidence is currently insufficient to determine the role of this variant in disease. Therefore, it has been classified as a Variant of Uncertain Significance.

Genome-Nilou Lab
Classification: Uncertain significance for Microcephaly, normal intelligence and immunodeficiency. Last evaluated: 2021-11-07. Review status: criteria provided, single submitter. Criteria: ACMG Guidelines, 2015. Collection method: clinical testing. Allele origin: germline. Affected: no.

Ambry Genetics
Classification: Uncertain significance for Hereditary cancer-predisposing syndrome. Last evaluated: 2019-05-01. Review status: criteria provided, single submitter. Criteria: Ambry Variant Classification Scheme 2023. Collection method: clinical testing. Allele origin: germline.
Comment: The p.P325L variant (also known as c.974C>T), located in coding exon 8 of the NBN gene, results from a C to T substitution at nucleotide position 974. The proline at codon 325 is replaced by leucine, an amino acid with similar properties. This amino acid position is highly conserved in available vertebrate species. In addition, the in silico prediction for this alteration is inconclusive. Since supporting evidence is limited at this time, the clinical significance of this alteration remains unclear.

NM_002485.5(NBN):c.974C>T (p.Pro325Leu)

Gene: NBN (nibrin; minus strand). Cytogenetic location: 8q21.3.
Variant type: single nucleotide variant.
Coding change: c.974C>T on transcript NM_002485.5 (MANE Select); coding-DNA position 974, C replaced by T.
Protein change: p.Pro325Leu; replaces proline 325 with leucine.
Molecular consequence: missense variant.
Genome position (GRCh38, 1-based): chr8:89,964,430, G>A on the plus strand (C>T on the coding strand, the complement: NBN is on the minus strand). VCF-style: chr8-89964430-G-A. GRCh37 (hg19) VCF-style: chr8-90976658-G-A.
Other names: c.728C>T, p.Pro243Leu (NM_001024688.3); short protein forms P243L, P325L.
Identifiers: ClinVar variation 823448 (VCV000823448.13), dbSNP rs1586075820, ClinGen allele CA371656883.